The following is an entry in ClinVar:

ClinVar aggregate classification (germline): Benign. Review status: criteria provided, multiple submitters, no conflicts (2 of 4 stars). 3 submissions from 3 submitters: Benign (3). Last evaluated 2026-08-01.

Allele frequency attached by ClinVar (database versions not stated): 1000 Genomes Project 0.00379; 1000 Genomes Project 30x 0.00422; gnomAD 0.00898 and 0.00921; TOPMed 0.00935; gnomAD exomes 0.00936; ESP Exome Variant Server 0.00962; ExAC 0.00983.
gnomAD v4.1: 19,425 of 1,611,292 alleles (1.2%); highest among the groups gnomAD compares: Non-Finnish European, 1.4%; 166 homozygotes.

Submissions (3):

CeGaT Center for Human Genetics Tuebingen
Classification: Benign. Last evaluated: 2026-08-01. Review status: criteria provided, single submitter. Criteria: CeGaT Center For Human Genetics Tuebingen Variant Classification Criteria Version 2. Collection method: clinical testing. Allele origin: germline. Affected: yes. Observed: 10 variant alleles.
Comment: USP53: BS1, BS2

Labcorp Genetics (formerly Invitae), Labcorp
Classification: Benign. Last evaluated: 2026-02-01. Review status: criteria provided, single submitter. Criteria: Invitae Variant Classification Sherloc (09022015). Collection method: clinical testing. Allele origin: germline.

Breakthrough Genomics
Classification: Benign. Review status: criteria provided, single submitter. Criteria: ACMG Guidelines, 2015. Collection method: not provided. Allele origin: germline. Inheritance: Autosomal recessive inheritance. Affected: yes.

NM_001371395.1(USP53):c.241A>T (p.Ile81Leu)

Gene: USP53 (ubiquitin specific peptidase 53; plus strand). Cytogenetic location: 4q26.
Variant type: single nucleotide variant.
Coding change: c.241A>T on transcript NM_001371395.1 (MANE Select); coding-DNA position 241, A replaced by T.
Protein change: p.Ile81Leu; replaces isoleucine 81 with leucine.
Molecular consequence: missense variant. On other transcripts: 5 prime UTR variant (6).
Genome position (GRCh38, 1-based): chr4:119,248,751, A>T. VCF-style: chr4-119248751-A-T. GRCh37 (hg19) VCF-style: chr4-120169906-A-T.
Other names: c.241A>T, p.Ile81Leu (NM_001371396.1, NM_001371397.1, NM_001371398.1 and 6 more transcripts); c.-108A>T (NM_001389662.1, NM_001389663.1, NM_001389664.1 and 3 more transcripts); short protein forms I81L.
Identifiers: ClinVar variation 773456 (VCV000773456.37), dbSNP rs113583516, ClinGen allele CA3058861.